The following is an entry in ClinVar:

ClinVar aggregate classification (germline): Likely benign. Review status: criteria provided, multiple submitters, no conflicts (2 of 4 stars). 4 submissions from 4 submitters: Likely benign (3). 1 of the submissions does not count toward it. Last evaluated 2025-06-09.

Conditions:
Inborn genetic diseases. Identifiers: MedGen C0950123, MeSH D030342.
RAI1-related disorder. Also called: RAI1-related condition.

Allele frequency attached by ClinVar (database versions not stated): gnomAD 0.00001; gnomAD exomes 0.00001; ExAC 0.00002; 1000 Genomes Project 30x 0.00031; 1000 Genomes Project 0.00040.
gnomAD v4.1: 20 of 1,612,304 alleles (0.0012%); highest among the groups gnomAD compares: Middle Eastern, 0.033%; no homozygotes.

Submissions (4):

Labcorp Genetics (formerly Invitae), Labcorp
Classification: Likely benign. Last evaluated: 2025-06-09. Review status: criteria provided, single submitter. Criteria: Invitae Variant Classification Sherloc (09022015). Collection method: clinical testing. Allele origin: germline.

Blueprint Genetics
Classification: Likely benign. Last evaluated: 2024-02-01. Review status: criteria provided, single submitter. Criteria: ACMG Guidelines, 2015. Collection method: clinical testing. Allele origin: germline.

Ambry Genetics
Classification: Likely benign for Inborn genetic diseases. Last evaluated: 2017-12-16. Review status: criteria provided, single submitter. Criteria: Ambry Variant Classification Scheme 2023. Collection method: clinical testing. Allele origin: germline.

PreventionGenetics, part of Exact Sciences
Classification: Likely benign for RAI1-related condition. Last evaluated: 2024-02-29. Review status: no assertion criteria provided. Collection method: clinical testing. Allele origin: germline. Not counted in ClinVar's aggregate classification.
Comment: This variant is classified as likely benign based on ACMG/AMP sequence variant interpretation guidelines (Richards et al. 2015 PMID: 25741868, with internal and published modifications).

NM_030665.4(RAI1):c.3894C>T (p.Pro1298=)

Gene: RAI1 (retinoic acid induced 1; plus strand). Cytogenetic location: 17p11.2.
Variant type: single nucleotide variant.
Coding change: c.3894C>T on transcript NM_030665.4 (MANE Select); coding-DNA position 3894, C replaced by T.
Protein change: p.Pro1298=; no amino-acid change (proline 1298 retained).
Molecular consequence: synonymous variant.
Genome position (GRCh38, 1-based): chr17:17,796,842, C>T. VCF-style: chr17-17796842-C-T. GRCh37 (hg19) VCF-style: chr17-17700156-C-T.
Identifiers: ClinVar variation 1669151 (VCV001669151.13), dbSNP rs367918995, ClinGen allele CA8418857.